The following is an entry in ClinVar:

ClinVar aggregate classification (germline): Conflicting classifications of pathogenicity. Review status: criteria provided, conflicting classifications (1 of 4 stars). 6 submissions from 6 submitters: Uncertain significance (4); Likely benign (1). 1 of the submissions does not count toward it. Last evaluated 2026-08-12.

Conditions:
Joubert syndrome. Also called: JOUBERT-BOLTSHAUSER SYNDROME; Familial aplasia of the vermis. Identifiers: Orphanet 475, MedGen C5979921, MONDO:0018772.
Retinal dystrophy. Also called: Inherited retinal dystrophy. Identifiers: Orphanet 71862, MedGen C0854723, MeSH D058499, MONDO:0019118, HP:0000556.
INPP5E-related disorder. Also called: INPP5E-related condition.
Inborn genetic diseases. Identifiers: MedGen C0950123, MeSH D030342.

Allele frequency attached by ClinVar (database versions not stated): ESP Exome Variant Server 0.00008; gnomAD 0.00010; gnomAD exomes 0.00010 and 0.00012; TOPMed 0.00010; ExAC 0.00013; 1000 Genomes Project 30x 0.00031; 1000 Genomes Project 0.00060.
gnomAD v4.1: 170 of 1,611,606 alleles (0.011%); highest among the groups gnomAD compares: East Asian, 0.036%; no homozygotes.

Submissions (6):

PreventionGenetics, part of Exact Sciences
Classification: Uncertain significance for INPP5E-related condition. Last evaluated: 2026-08-12. Review status: criteria provided, single submitter. Criteria: ACMG Guidelines, 2015. Collection method: clinical testing. Allele origin: germline.
Comment: The INPP5E c.1457G>A variant is predicted to result in the amino acid substitution p.Arg486His. To our knowledge, this variant has not been reported in the literature. This variant is reported in 0.10% of alleles in individuals of East Asian descent in gnomAD. Although we suspect that this variant may be benign, at this time, the clinical significance of this variant is uncertain due to the absence of conclusive functional and genetic evidence.

Labcorp Genetics (formerly Invitae), Labcorp
Classification: Uncertain significance for Joubert syndrome. Last evaluated: 2024-06-03. Review status: criteria provided, single submitter. Criteria: Invitae Variant Classification Sherloc (09022015). Collection method: clinical testing. Allele origin: germline.
Comment: This sequence change replaces arginine, which is basic and polar, with histidine, which is basic and polar, at codon 486 of the INPP5E protein (p.Arg486His). This variant is present in population databases (rs367592401, gnomAD 0.09%). This variant has not been reported in the literature in individuals affected with INPP5E-related conditions. ClinVar contains an entry for this variant (Variation ID: 1696366). Advanced modeling of protein sequence and biophysical properties (such as structural, functional, and spatial information, amino acid conservation, physicochemical variation, residue mobility, and thermodynamic stability) has been performed at Invitae for this missense variant, however the output from this modeling did not meet the statistical confidence thresholds required to predict the impact of this variant on INPP5E protein function. This variant disrupts the p.Arg486 amino acid residue in INPP5E. Other variant(s) that disrupt this residue have been determined to be pathogenic (PMID: 34188062; Invitae). This suggests that this residue is clinically significant, and that variants that disrupt this residue are likely to be disease-causing. In summary, the available evidence is currently insufficient to determine the role of this variant in disease. Therefore, it has been classified as a Variant of Uncertain Significance.

Women's Health and Genetics/Laboratory Corporation of America, LabCorp
Classification: Uncertain significance. Last evaluated: 2022-05-03. Review status: criteria provided, single submitter. Criteria: LabCorp Variant Classification Summary - May 2015. Collection method: clinical testing. Allele origin: germline.

Ambry Genetics
Classification: Likely benign for Inborn genetic diseases. Last evaluated: 2021-09-16. Review status: criteria provided, single submitter. Criteria: Ambry Variant Classification Scheme 2023. Collection method: clinical testing. Allele origin: germline.

Blueprint Genetics
Classification: Uncertain significance. Last evaluated: 2021-05-18. Review status: criteria provided, single submitter. Criteria: ACMG Guidelines, 2015. Collection method: clinical testing. Allele origin: germline.

Institute of Human Genetics, Univ. Regensburg, Univ. Regensburg
Classification: Uncertain significance for Retinal dystrophy. Last evaluated: 2022-01-01. Review status: no assertion criteria provided. Criteria: ACMG Guidelines, 2015. Collection method: clinical testing. Allele origin: germline. Affected: yes. Not counted in ClinVar's aggregate classification.

Literature cited by the submitters: PubMed 34188062 (cited by Labcorp Genetics (formerly Invitae), Labcorp).

NM_019892.6(INPP5E):c.1457G>A (p.Arg486His)

Gene: INPP5E (inositol polyphosphate-5-phosphatase E; minus strand). Cytogenetic location: 9q34.3.
Variant type: single nucleotide variant.
Coding change: c.1457G>A on transcript NM_019892.6 (MANE Select); coding-DNA position 1457, G replaced by A.
Protein change: p.Arg486His; replaces arginine 486 with histidine.
Molecular consequence: missense variant.
Genome position (GRCh38, 1-based): chr9:136,431,916, C>T on the plus strand (G>A on the coding strand, the complement: INPP5E is on the minus strand). VCF-style: chr9-136431916-C-T. GRCh37 (hg19) VCF-style: chr9-139326368-C-T.
Other names: c.1454G>A, p.Arg485His (NM_001318502.2); c.1457G>A (NM_019892.4); short protein forms R485H, R486H.
Identifiers: ClinVar variation 1696366 (VCV001696366.9), dbSNP rs367592401, ClinGen allele CA5336787.